The following is an entry in ClinVar:

ClinVar aggregate classification (germline): Conflicting classifications of pathogenicity. Review status: criteria provided, conflicting classifications (1 of 4 stars). 9 submissions from 9 submitters: Likely pathogenic (1); Uncertain significance (8). Last evaluated 2025-08-22.

Conditions:
Syndromic complex neurodevelopmental disorder. Identifiers: MedGen CN372091, MONDO:0800439.
Microcephaly-intellectual disability-sensorineural hearing loss-epilepsy-abnormal muscle tone syndrome (NEDHSB). Also called: NEURODEVELOPMENTAL DISORDER WITH HEARING LOSS, SEIZURES, AND BRAIN ABNORMALITIES. Identifiers: Orphanet 457351, MedGen C4225276, MONDO:0014698, OMIM 616577.

Allele frequency attached by ClinVar (database versions not stated): 1000 Genomes Project 30x 0.00047; ExAC 0.00058; gnomAD 0.00058 and 0.00062; gnomAD exomes 0.00058 and 0.00094; TOPMed 0.00059; 1000 Genomes Project 0.00060; ESP Exome Variant Server 0.00108.
gnomAD v4.1: 1,462 of 1,614,112 alleles (0.091%); highest among the groups gnomAD compares: Non-Finnish European, 0.11%; 6 homozygotes.

Submissions (9):

Women's Health and Genetics/Laboratory Corporation of America, LabCorp
Classification: Uncertain significance. Last evaluated: 2025-08-22. Review status: criteria provided, single submitter. Criteria: LabCorp Variant Classification Summary - May 2015. Collection method: clinical testing. Allele origin: germline.
Comment: Variant summary: AFG2A c.1964G>A (p.Arg655Gln) results in a conservative amino acid change in the encoded protein sequence. Algorithms developed to predict the effect of missense changes on protein structure and function are either unavailable or do not agree on the potential impact of this missense change. The variant was absent in 251440 control chromosomes. The available data on variant occurrences in the general population are insufficient to allow any conclusion about variant significance. c.1964G>A has been observed in individual(s) affected with white matter disorder (Schluter_2022). This report does not provide unequivocal conclusions about association of the variant with Epilepsy, Hearing Loss, And Mental Retardation Syndrome. To our knowledge, no experimental evidence demonstrating an impact on protein function has been reported. The following publication has been ascertained in the context of this evaluation (PMID: 35012964). ClinVar contains an entry for this variant (Variation ID: 203526). Based on the evidence outlined above, the variant was classified as uncertain significance.

Blueprint Genetics
Classification: Uncertain significance. Last evaluated: 2024-11-21. Review status: criteria provided, single submitter. Criteria: ACMG Guidelines, 2015. Collection method: clinical testing. Allele origin: germline.

GeneDx
Classification: Likely pathogenic. Last evaluated: 2024-09-26. Review status: criteria provided, single submitter. Criteria: GeneDx Variant Classification Process June 2021. Collection method: clinical testing. Allele origin: germline. Affected: yes.
Comment: Observed in homozygous state in a patient with white matter disease in the literature (PMID: 35012964); In silico analysis supports that this missense variant has a deleterious effect on protein structure/function; This variant is associated with the following publications: (PMID: 35012964)

Institute of Medical Genetics and Applied Genomics, University Hospital Tübingen
Classification: Uncertain significance for Microcephaly-intellectual disability-sensorineural hearing loss-epilepsy-abnormal muscle tone syndrome. Last evaluated: 2022-12-07. Review status: criteria provided, single submitter. Criteria: ACMG Guidelines, 2015. Collection method: clinical testing. Allele origin: germline. Inheritance: Autosomal recessive inheritance. Affected: yes.

Department of Pathology and Laboratory Medicine, Sinai Health System
Classification: Uncertain significance for syndromic complex neurodevelopmental disorder. Last evaluated: 2022-12-05. Review status: criteria provided, single submitter. Criteria: ACMG Guidelines, 2015. Collection method: research. Allele origin: germline.

Labcorp Genetics (formerly Invitae), Labcorp
Classification: Uncertain significance for Microcephaly-intellectual disability-sensorineural hearing loss-epilepsy-abnormal muscle tone syndrome. Last evaluated: 2022-09-27. Review status: criteria provided, single submitter. Criteria: Invitae Variant Classification Sherloc (09022015). Collection method: clinical testing. Allele origin: germline.
Comment: This sequence change replaces arginine, which is basic and polar, with glutamine, which is neutral and polar, at codon 655 of the SPATA5 protein (p.Arg655Gln). This variant is present in population databases (rs147873489, gnomAD 0.1%), and has an allele count higher than expected for a pathogenic variant. This variant has not been reported in the literature in individuals affected with SPATA5-related conditions. ClinVar contains an entry for this variant (Variation ID: 203526). Algorithms developed to predict the effect of missense changes on protein structure and function output the following: SIFT: "Tolerated"; PolyPhen-2: "Benign"; Align-GVGD: "Class C0". The glutamine amino acid residue is found in multiple mammalian species, which suggests that this missense change does not adversely affect protein function. In summary, the available evidence is currently insufficient to determine the role of this variant in disease. Therefore, it has been classified as a Variant of Uncertain Significance.

Fulgent Genetics
Classification: Uncertain significance for Microcephaly-intellectual disability-sensorineural hearing loss-epilepsy-abnormal muscle tone syndrome. Last evaluated: 2018-10-31. Review status: criteria provided, single submitter. Criteria: ACMG Guidelines, 2015. Collection method: clinical testing. Allele origin: unknown.

Athena Diagnostics
Classification: Uncertain significance. Last evaluated: 2018-01-24. Review status: criteria provided, single submitter. Criteria: Athena Diagnostics Criteria. Collection method: clinical testing. Allele origin: germline.

Eurofins Ntd Llc (ga)
Classification: Uncertain significance. Last evaluated: 2016-10-17. Review status: criteria provided, single submitter. Criteria: EGL Classification Definitions 2015. Collection method: clinical testing. Allele origin: germline. Observed: 3 variant alleles, 3 homozygotes.

Literature cited by the submitters: PubMed 35012964 (cited by Women's Health and Genetics/Laboratory Corporation of America, LabCorp).

NM_145207.3(AFG2A):c.1964G>A (p.Arg655Gln)

Gene: AFG2A (AAA ATPase AFG2A; plus strand). Cytogenetic location: 4q28.1.
Variant type: single nucleotide variant.
Coding change: c.1964G>A on transcript NM_145207.3 (MANE Select); coding-DNA position 1964, G replaced by A.
Protein change: p.Arg655Gln; replaces arginine 655 with glutamine.
Molecular consequence: missense variant.
Genome position (GRCh38, 1-based): chr4:123,028,280, G>A. VCF-style: chr4-123028280-G-A. GRCh37 (hg19) VCF-style: chr4-123949435-G-A.
Other names: p.R655Q:CGA>CAA; c.1961G>A, p.Arg654Gln (NM_001317799.2, NM_001345856.2); short protein forms R655Q, R654Q.
Identifiers: ClinVar variation 203526 (VCV000203526.24), dbSNP rs147873489, ClinGen allele CA312155.